The following is an entry in ClinVar:

NM_001267550.2(TTN):c.102506C>T (p.Thr34169Ile)

Genes: TTN (titin; minus strand), TTN-AS1 (TTN antisense RNA 1; plus strand). Cytogenetic location: 2q31.2.
Variant type: single nucleotide variant.
Coding change: c.102506C>T on transcript NM_001267550.2 (MANE Select); coding-DNA position 102506, C replaced by T.
Protein change: p.Thr34169Ile; replaces threonine 34169 with isoleucine.
Molecular consequence: missense variant.
Genome position (GRCh38, 1-based): chr2:178,534,109, G>A on the plus strand (C>T on the coding strand, the complement: TTN is on the minus strand). VCF-style: chr2-178534109-G-A. GRCh37 (hg19) VCF-style: chr2-179398836-G-A.
Other names: c.97583C>T, p.Thr32528Ile (NM_001256850.1); c.75311C>T, p.Thr25104Ile (NM_003319.4); c.94802C>T, p.Thr31601Ile (NM_133378.4); c.75686C>T, p.Thr25229Ile (NM_133432.3); c.75887C>T, p.Thr25296Ile (NM_133437.4); short protein forms T25104I, T25229I, T25296I, T31601I, T32528I, T34169I.
Identifiers: ClinVar variation 2651580 (VCV002651580.24), dbSNP rs1410488429, ClinGen allele CA349417381.
Genomic context (GRCh38, chr2:178,534,109, plus strand): 5'-TCTTCGTAGGTGATTTCGTATTTCTCACTGTTCTCCAGCTGTCGGACGCCAAAGTACCAA[G>A]TCACTTGGGTAGACTGATCATAATTTTCAATTTTGCATACATATTTGACATGTCCTCCTT-3'
Protein context (NP_001254479.2, residues 34159-34179): IENYDQSTQV[Thr34169Ile]WYFGVRQLEN

ClinVar aggregate classification (germline): Uncertain significance (1 of 4 stars; one submission).

Allele frequency attached by ClinVar (database versions not stated): gnomAD exomes below 0.00001.
gnomAD v4.1: 3 of 1,613,946 alleles (0.00019%); highest among the groups gnomAD compares: Non-Finnish European, 0.00017%; no homozygotes.

Submission:

CeGaT Center for Human Genetics Tuebingen
Classification: Uncertain significance. Last evaluated: 2022-06-01. Review status: criteria provided, single submitter. Criteria: CeGaT Center For Human Genetics Tuebingen Variant Classification Criteria Version 2. Collection method: clinical testing. Allele origin: germline. Affected: yes. Observed: 1 variant allele.
Comment: TTN: PM2